The following is an entry in ClinVar:

NM_000545.8(HNF1A):c.1623+23C>T

Gene: HNF1A (HNF1 homeobox A; plus strand). Cytogenetic location: 12q24.31.
Variant type: single nucleotide variant.
Coding change: c.1623+23C>T on transcript NM_000545.8 (MANE Select); 23 bases into the intron after coding-DNA position 1623, C replaced by T.
Molecular consequence: intron variant.
Genome position (GRCh38, 1-based): chr12:120,999,412, C>T. VCF-style: chr12-120999412-C-T. GRCh37 (hg19) VCF-style: chr12-121437215-C-T.
Other names: c.1623+23C>T (NM_001306179.2).
Identifiers: ClinVar variation 135504 (VCV000135504.3), dbSNP rs201167179, ClinGen allele CA162959.

ClinVar aggregate classification (germline): Benign. Review status: criteria provided, multiple submitters, no conflicts (2 of 4 stars). 3 submissions from 3 submitters: Benign (2). 1 of the submissions does not count toward it. Last evaluated 2025-03-18.

Conditions:
Maturity-onset diabetes of the young (MODY). Also called: Maturity onset diabetes mellitus in young. Identifiers: Orphanet 552, MedGen C0342276, MONDO:0018911, HP:0004904.

Allele frequency attached by ClinVar (database versions not stated): gnomAD 0.00027 and 0.00028; TOPMed 0.00031; gnomAD exomes 0.00039 and 0.00071; ExAC 0.00041; ESP Exome Variant Server 0.00046.
gnomAD v4.1: 1,060 of 1,613,834 alleles (0.066%); highest among the groups gnomAD compares: Non-Finnish European, 0.085%; 1 homozygote.

Submissions (3):

Women's Health and Genetics/Laboratory Corporation of America, LabCorp
Classification: Benign. Last evaluated: 2025-03-18. Review status: criteria provided, single submitter. Criteria: LabCorp Variant Classification Summary - May 2015. Collection method: clinical testing. Allele origin: germline.
Comment: Variant summary: HNF1A c.1623+23C>T is located at a position not widely known to affect splicing. Consensus agreement among computation tools predict no significant impact on normal splicing. However, these predictions have yet to be confirmed by functional studies. The variant allele was found at a frequency of 0.00039 in 250964 control chromosomes. The observed variant frequency is approximately 15.78 fold of the estimated maximal expected allele frequency for a pathogenic variant in HNF1A causing Maturity Onset Diabetes Of The Young 3 phenotype (2.5e-05). To our knowledge, no occurrence of c.1623+23C>T in individuals affected with Maturity Onset Diabetes Of The Young 3 and no experimental evidence demonstrating its impact on protein function have been reported. ClinVar contains an entry for this variant (Variation ID: 135504). Based on the evidence outlined above, the variant was classified as benign.

Clinical Genomics, Uppaluri K&H Personalized Medicine Clinic
Classification: Benign for Maturity-onset diabetes of the young. Review status: criteria provided, single submitter. Criteria: K & H Uppaluri Personalized Medicine Clinic Variant Classification & Assertion Criteria_Updated V.1. Collection method: research. Allele origin: unknown. Inheritance: Autosomal dominant inheritance.
Comment: Mutations in HNF1A gene can predispose to MODY3. It is associated with both micro and macrovascular complications of diabetes, especially cardiovascular complications. Associated with glucosuria. May respond well to sulfonylureas. However, more evidence is required to confer the association of this particular variant rs201167179 with MODY3.

ITMI
No classification provided. Condition: AllHighlyPenetrant. Last evaluated: 2013-09-19. Review status: no classification provided. Collection method: reference population. Allele origin: germline. Not counted in ClinVar's aggregate classification.
Comment: Please see associated publication for description of ethnicities

Literature cited by the submitters: PubMed 31517624 (cited by Clinical Genomics, Uppaluri K&H Personalized Medicine Clinic); PubMed 32395877 (cited by Clinical Genomics, Uppaluri K&H Personalized Medicine Clinic); PubMed 35328643 (cited by Clinical Genomics, Uppaluri K&H Personalized Medicine Clinic); PubMed 35673428 (cited by Clinical Genomics, Uppaluri K&H Personalized Medicine Clinic); PubMed 24728327 (cited by ITMI).